The following is an entry in ClinVar:

ClinVar aggregate classification (germline): Uncertain significance (1 of 4 stars; one submission).

Conditions:
Epidermolysis bullosa simplex with nail dystrophy (EBS5D). Identifiers: MedGen C4225309, MONDO:0014661, OMIM 616487.
Epidermolysis bullosa simplex, Ogna type (EBS5A). Also called: Pidermolysis bullosa simplex 5A, Ogna type; EPIDERMOLYSIS BULLOSA SIMPLEX 5A, OGNA TYPE. Identifiers: Orphanet 79401, MedGen C0432317, MONDO:0007555, OMIM 131950.
Autosomal recessive limb-girdle muscular dystrophy type 2Q (LGMDR17). Also called: MUSCULAR DYSTROPHY, LIMB-GIRDLE, AUTOSOMAL RECESSIVE 17. Identifiers: Orphanet 254361, MedGen C3150989, MONDO:0013390, OMIM 613723.
Epidermolysis bullosa simplex 5B, with muscular dystrophy (EBS5B). Also called: EPIDERMOLYSIS BULLOSA SIMPLEX AND LIMB-GIRDLE MUSCULAR DYSTROPHY; Epidermolysis bullosa simplex with muscular dystrophy. Identifiers: Orphanet 257, MedGen C2931072, MONDO:0009181, OMIM 226670.
Epidermolysis bullosa simplex 5C, with pyloric atresia (EBS5C). Also called: PLEC-Related Epidermolysis Bullosa with Pyloric Atresia; Epidermolysis bullosa simplex with pyloric atresia; PLEC1-Related Epidermolysis Bullosa with Pyloric Atresia. Identifiers: Orphanet 158684, MedGen C2677349, MONDO:0012807, OMIM 612138.

Submission:

Labcorp Genetics (formerly Invitae), Labcorp
Classification: Uncertain significance for Autosomal recessive limb-girdle muscular dystrophy type 2Q; Epidermolysis bullosa simplex, Ogna type; Epidermolysis bullosa simplex with nail dystrophy; Epidermolysis bullosa simplex 5C, with pyloric atresia; Epidermolysis bullosa simplex 5B, with muscular dystrophy. Last evaluated: 2023-04-26. Review status: criteria provided, single submitter. Criteria: Invitae Variant Classification Sherloc (09022015). Collection method: clinical testing. Allele origin: germline.
Comment: This sequence change replaces isoleucine, which is neutral and non-polar, with asparagine, which is neutral and polar, at codon 3599 of the PLEC protein (p.Ile3599Asn). In summary, the available evidence is currently insufficient to determine the role of this variant in disease. Therefore, it has been classified as a Variant of Uncertain Significance. An algorithm developed to predict the effect of missense changes on protein structure and function (PolyPhen-2) suggests that this variant is likely to be disruptive. This variant has not been reported in the literature in individuals affected with PLEC-related conditions. This variant is not present in population databases (gnomAD no frequency).

NM_201384.3(PLEC):c.10715T>A (p.Ile3572Asn)

Gene: PLEC (plectin; minus strand). Cytogenetic location: 8q24.3.
Variant type: single nucleotide variant.
Coding change: c.10715T>A on transcript NM_201384.3 (MANE Select); coding-DNA position 10715, T replaced by A.
Protein change: p.Ile3572Asn; replaces isoleucine 3572 with asparagine.
Molecular consequence: missense variant.
Genome position (GRCh38, 1-based): chr8:143,919,106, A>T on the plus strand (T>A on the coding strand, the complement: PLEC is on the minus strand). VCF-style: chr8-143919106-A-T. GRCh37 (hg19) VCF-style: chr8-144993274-A-T.
Other names: c.10796T>A, p.Ile3599Asn (NM_000445.5); c.7415T>A, p.Ile2472Asn (NM_001410941.1); c.10673T>A, p.Ile3558Asn (NM_201378.4); c.10649T>A, p.Ile3550Asn (NM_201379.3); c.11126T>A, p.Ile3709Asn (NM_201380.4); c.10619T>A, p.Ile3540Asn (NM_201381.3); c.10715T>A, p.Ile3572Asn (NM_201382.4); c.10727T>A, p.Ile3576Asn (NM_201383.3); short protein forms I2472N, I3550N, I3572N, I3576N, I3558N, I3540N, I3599N, I3709N.
Identifiers: ClinVar variation 2947145 (VCV002947145.3), dbSNP rs2539387002, ClinGen allele CA372497010.
Genomic context (GRCh38, chr8:143,919,106, plus strand): 5'-TGCATCACCTCCCACAGGGACATGGTGGAGCCGCCGTGGCTGCCGCCGCCGGGAATGTCG[A>T]TCTGTGTCTCTTCAAATGCCCTTCTTGTCTCCTCCTCAGTGTACACCTGCGTGGTCTCCA-3'
Protein context (NP_958786.1, residues 3562-3582): ETRRAFEETQ[Ile3572Asn]DIPGGGSHGG